The following is an entry in ClinVar:

ClinVar aggregate classification (germline): Pathogenic. Review status: criteria provided, multiple submitters, no conflicts (2 of 4 stars). 3 submissions from 3 submitters: Pathogenic (2). 1 of the submissions does not count toward it. Last evaluated 2026-01-15.

Conditions:
Cataract 1 multiple types. Also called: CATARACT, DUFFY-LINKED; CATARACT 1, MULTIPLE TYPES, WITH OR WITHOUT MICROCORNEA; CATARACT 1, POSTERIOR SUBCAPSULAR, WITH MICROCORNEA; CATARACT 1, STELLATE NUCLEAR, WITH MICROCORNEA; CATARACT 1, NUCLEAR PROGRESSIVE; CATARACT 1 WITH MICROCORNEA. Identifiers: Orphanet 1377, MedGen C1861828, MONDO:0007285, OMIM 116200.
acorea,microphthalmia and cataract syndrome. Also called: acorea，microphthalmia and cataract syndrome.

Submissions (3):

Labcorp Genetics (formerly Invitae), Labcorp
Classification: Pathogenic for Cataract 1 multiple types. Last evaluated: 2026-01-15. Review status: criteria provided, single submitter. Criteria: Invitae Variant Classification Sherloc (09022015). Collection method: clinical testing. Allele origin: germline.
Comment: This sequence change replaces glycine, which is neutral and non-polar, with glutamic acid, which is acidic and polar, at codon 46 of the GJA8 protein (p.Gly46Glu). This variant is not present in population databases (gnomAD no frequency). This missense change has been observed in individuals with autosomal dominant congenital cataracts (PMID: 38052906; internal data). It has also been observed to segregate with disease in related individuals. ClinVar contains an entry for this variant (Variation ID: 2103996). Invitae Evidence Modeling of protein sequence and biophysical properties (such as structural, functional, and spatial information, amino acid conservation, physicochemical variation, residue mobility, and thermodynamic stability) indicates that this missense variant is expected to disrupt GJA8 protein function with a positive predictive value of 95%. Experimental studies have shown that this missense change affects GJA8 function (PMID: 25260631). This variant disrupts the p.Gly46 amino acid residue in GJA8. Other variant(s) that disrupt this residue have been observed in individuals with GJA8-related conditions (PMID: 19684000, 21686328), which suggests that this may be a clinically significant amino acid residue. For these reasons, this variant has been classified as Pathogenic.

Genetics Department, University Hospital of Toulouse
Classification: Pathogenic for Cataract 1 multiple types. Last evaluated: 2025-10-05. Review status: criteria provided, single submitter. Criteria: ACMG Guidelines, 2015. Collection method: clinical testing. Allele origin: germline. Affected: yes. Observed: 1 variant allele.
Comment: The NM_005267.5:c.137G>A p.Gly46Glu variant is missense variant in GJA8. It is absent from gnomAD v4.1. It has been previously reported as pathogenic in Clinvar database in an individual with congenital cataract. 56 pathogenic or likely pathogenic reported variants were found in a 337bp region surrounding this variant in exon 2 within the region 147907973-147908310 without any missense benign variants. It was classified as pathogenic according to ACMG criteria: PS2, PM1, PM2, PP3

The Key Laboratory for Human Disease Gene Study of Sichuan Province, Sichuan Academy of Medical Sciences & Sichuan Provincial People’s Hospital
Classification: Likely pathogenic for acorea，microphthalmia and cataract syndrome. Review status: no assertion criteria provided. Collection method: research. Allele origin: inherited. Inheritance: Autosomal dominant inheritance. Affected: no. Not counted in ClinVar's aggregate classification.
Comment: It provides a new screening target for prenatal diagnosis of familial acorea， microphthalmia and cataract syndrome

Literature cited by the submitters: PubMed 38052906 (cited by Labcorp Genetics (formerly Invitae), Labcorp); PubMed 25260631 (cited by Labcorp Genetics (formerly Invitae), Labcorp); PubMed 19684000 (cited by Labcorp Genetics (formerly Invitae), Labcorp); PubMed 21686328 (cited by Labcorp Genetics (formerly Invitae), Labcorp); PubMed 23832966 (cited by The Key Laboratory for Human Disease Gene Study of Sichuan Province, Sichuan Academy of Medical Sciences & Sichuan Provincial People’s Hospital).

NM_005267.5(GJA8):c.137G>A (p.Gly46Glu)

Gene: GJA8 (gap junction protein alpha 8; plus strand). Cytogenetic location: 1q21.2.
Variant type: single nucleotide variant.
Coding change: c.137G>A on transcript NM_005267.5 (MANE Select); coding-DNA position 137, G replaced by A.
Protein change: p.Gly46Glu; replaces glycine 46 with glutamic acid.
Molecular consequence: missense variant.
Genome position (GRCh38, 1-based): chr1:147,908,092, G>A. VCF-style: chr1-147908092-G-A. GRCh37 (hg19) VCF-style: chr1-147380219-G-A.
Other names: short protein forms G46E.
Identifiers: ClinVar variation 2103996 (VCV002103996.33), dbSNP rs2524889140, ClinGen allele CA342223273.